The following is an entry in ClinVar:

NM_206933.4(USH2A):c.122A>T (p.Glu41Val)

Gene: USH2A (usherin; minus strand). Cytogenetic location: 1q41.
Variant type: single nucleotide variant.
Coding change: c.122A>T on transcript NM_206933.4 (MANE Select); coding-DNA position 122, A replaced by T.
Protein change: p.Glu41Val; replaces glutamic acid 41 with valine.
Molecular consequence: missense variant.
Genome position (GRCh38, 1-based): chr1:216,422,215, T>A on the plus strand (A>T on the coding strand, the complement: USH2A is on the minus strand). VCF-style: chr1-216422215-T-A. GRCh37 (hg19) VCF-style: chr1-216595557-T-A.
Other names: c.122A>T, p.Glu41Val (NM_007123.6); short protein forms E41V.
Identifiers: ClinVar variation 1993602 (VCV001993602.4), dbSNP rs1211535189, ClinGen allele CA344904957.

ClinVar aggregate classification (germline): Uncertain significance (1 of 4 stars; one submission).

Submission:

Labcorp Genetics (formerly Invitae), Labcorp
Classification: Uncertain significance. Last evaluated: 2024-11-11. Review status: criteria provided, single submitter. Criteria: Invitae Variant Classification Sherloc (09022015). Collection method: clinical testing. Allele origin: germline.
Comment: This sequence change replaces glutamic acid, which is acidic and polar, with valine, which is neutral and non-polar, at codon 41 of the USH2A protein (p.Glu41Val). This variant is not present in population databases (gnomAD no frequency). This variant has not been reported in the literature in individuals affected with USH2A-related conditions. ClinVar contains an entry for this variant (Variation ID: 1993602). Invitae Evidence Modeling of protein sequence and biophysical properties (such as structural, functional, and spatial information, amino acid conservation, physicochemical variation, residue mobility, and thermodynamic stability) indicates that this missense variant is not expected to disrupt USH2A protein function with a negative predictive value of 95%. In summary, the available evidence is currently insufficient to determine the role of this variant in disease. Therefore, it has been classified as a Variant of Uncertain Significance.